The following is an entry in ClinVar:

NM_000081.4(LYST):c.8947+5T>G

Gene: LYST (lysosomal trafficking regulator; minus strand). Cytogenetic location: 1q42.3.
Variant type: single nucleotide variant.
Coding change: c.8947+5T>G on transcript NM_000081.4 (MANE Select); 5 bases into the intron after coding-DNA position 8947, T replaced by G.
Molecular consequence: intron variant.
Genome position (GRCh38, 1-based): chr1:235,731,027, A>C on the plus strand (T>G on the coding strand, the complement: LYST is on the minus strand). VCF-style: chr1-235731027-A-C. GRCh37 (hg19) VCF-style: chr1-235894327-A-C.
Other names: c.8947+5T>G (NM_001301365.1).
Identifiers: ClinVar variation 3676834 (VCV003676834.2).

ClinVar aggregate classification (germline): Uncertain significance (1 of 4 stars; one submission).

Conditions:
Chédiak-Higashi syndrome (CHS). Also called: Chediak-Higashi Syndrome. Identifiers: Orphanet 167, MedGen C0007965, MONDO:0008963, OMIM 214500.

gnomAD v4.1: 4 of 1,612,962 alleles (0.00025%); highest among the groups gnomAD compares: East Asian, 0.0089%; no homozygotes.

Submission:

Labcorp Genetics (formerly Invitae), Labcorp
Classification: Uncertain significance for Chédiak-Higashi syndrome. Last evaluated: 2024-05-23. Review status: criteria provided, single submitter. Criteria: Invitae Variant Classification Sherloc (09022015). Collection method: clinical testing. Allele origin: germline.
Comment: This sequence change falls in intron 35 of the LYST gene. It does not directly change the encoded amino acid sequence of the LYST protein. It affects a nucleotide within the consensus splice site. This variant is not present in population databases (gnomAD no frequency). This variant has not been reported in the literature in individuals affected with LYST-related conditions. Variants that disrupt the consensus splice site are a relatively common cause of aberrant splicing (PMID: 17576681, 9536098). Algorithms developed to predict the effect of sequence changes on RNA splicing suggest that this variant is not likely to affect RNA splicing. In summary, the available evidence is currently insufficient to determine the role of this variant in disease. Therefore, it has been classified as a Variant of Uncertain Significance.

Literature cited by the submitters: PubMed 17576681; PubMed 9536098.